The following is an entry in ClinVar:

NM_015221.4(DNMBP):c.2261-20487C>T

Genes: DNMBP (dynamin binding protein; minus strand), DNMBP-AS1 (DNMBP antisense RNA 1; plus strand). Cytogenetic location: 10q24.2.
Variant type: single nucleotide variant.
Coding change: c.2261-20487C>T on transcript NM_015221.4 (MANE Select); 20487 bases into the intron before coding-DNA position 2261, C replaced by T.
Molecular consequence: intron variant. On other transcripts: synonymous variant (1).
Genome position (GRCh38, 1-based): chr10:99,929,633, G>A on the plus strand (C>T on the coding strand, the complement: DNMBP is on the minus strand). VCF-style: chr10-99929633-G-A. GRCh37 (hg19) VCF-style: chr10-101689390-G-A.
Other names: c.1131C>T, p.Phe377= (NM_001318326.2).
Identifiers: ClinVar variation 3034379 (VCV003034379.2), dbSNP rs191573123, ClinGen allele CA5644983.

ClinVar aggregate classification (germline): Benign (0 of 4 stars; one submission).

Conditions:
DNMBP-related disorder. Also called: DNMBP-related condition.

Allele frequency attached by ClinVar (database versions not stated): gnomAD exomes 0.00058; ExAC 0.00074; gnomAD 0.00454; TOPMed 0.00505; 1000 Genomes Project 0.00679; 1000 Genomes Project 30x 0.00765.
gnomAD v4.1: 1,026 of 687,994 alleles (0.15%); highest among the groups gnomAD compares: African/African-American, 1.5%; 7 homozygotes.

Submission:

PreventionGenetics, part of Exact Sciences
Classification: Benign for DNMBP-related condition. Last evaluated: 2019-11-25. Review status: no assertion criteria provided. Collection method: clinical testing. Allele origin: germline.
Comment: This variant is classified as benign based on ACMG/AMP sequence variant interpretation guidelines (Richards et al. 2015 PMID: 25741868, with internal and published modifications).